The following is an entry in ClinVar:

NM_002979.5(SCP2):c.532A>G (p.Ile178Val)

Gene: SCP2 (sterol carrier protein 2; plus strand). Cytogenetic location: 1p32.3.
Variant type: single nucleotide variant.
Coding change: c.532A>G on transcript NM_002979.5 (MANE Select); coding-DNA position 532, A replaced by G.
Protein change: p.Ile178Val; replaces isoleucine 178 with valine.
Molecular consequence: missense variant.
Genome position (GRCh38, 1-based): chr1:52,974,777, A>G. VCF-style: chr1-52974777-A-G. GRCh37 (hg19) VCF-style: chr1-53440449-A-G.
Other names: c.532A>G (NM_002979.4); c.400A>G, p.Ile134Val (NM_001007098.3, NM_001193600.2); c.460A>G, p.Ile154Val (NM_001193599.2); c.289A>G, p.Ile97Val (NM_001193617.2); c.532A>G, p.Ile178Val (NM_001330587.2); short protein forms I178V, I97V, I134V, I154V.
Identifiers: ClinVar variation 598172 (VCV000598172.11), dbSNP rs753547956, ClinGen allele CA857149.
Genomic context (GRCh38, chr1:52,974,777, plus strand): 5'-ATAAGCAGCGGAAAAACATTCACCCACTGGTAGATGTTTGCTTTCTTTACAGGAACAAAA[A>G]TTGAACACTTTGCAAAAATTGGATGGAAAAATCATAAACATTCAGTTAATAACCCGTAAG-3'
Protein context (NP_002970.2, residues 168-188): KEHMEKYGTK[Ile178Val]EHFAKIGWKN

ClinVar aggregate classification (germline): Conflicting classifications of pathogenicity. Review status: criteria provided, conflicting classifications (1 of 4 stars). 4 submissions from 4 submitters: Uncertain significance (2); Likely benign (1). 1 of the submissions does not count toward it. Last evaluated 2025-08-07.

Conditions:
SCP2-related disorder. Also called: SCP2-related condition.

Allele frequency attached by ClinVar (database versions not stated): gnomAD 0.00001; gnomAD exomes 0.00001 and 0.00002; TOPMed 0.00002; ExAC 0.00001.
gnomAD v4.1: 13 of 1,537,644 alleles (0.00085%); highest among the groups gnomAD compares: Admixed American, 0.022%; no homozygotes.

Submissions (4):

Ambry Genetics
Classification: Likely benign. Last evaluated: 2025-08-07. Review status: criteria provided, single submitter. Criteria: Ambry Variant Classification Scheme 2023. Collection method: clinical testing. Allele origin: germline.

Labcorp Genetics (formerly Invitae), Labcorp
Classification: Uncertain significance. Last evaluated: 2022-08-16. Review status: criteria provided, single submitter. Criteria: Invitae Variant Classification Sherloc (09022015). Collection method: clinical testing. Allele origin: germline.
Comment: This sequence change replaces isoleucine, which is neutral and non-polar, with valine, which is neutral and non-polar, at codon 178 of the SCP2 protein (p.Ile178Val). This variant is present in population databases (rs753547956, gnomAD 0.01%). This variant has not been reported in the literature in individuals affected with SCP2-related conditions. ClinVar contains an entry for this variant (Variation ID: 598172). Algorithms developed to predict the effect of missense changes on protein structure and function output the following: SIFT: "Tolerated"; PolyPhen-2: "Benign"; Align-GVGD: "Class C0". The valine amino acid residue is found in multiple mammalian species, which suggests that this missense change does not adversely affect protein function. In summary, the available evidence is currently insufficient to determine the role of this variant in disease. Therefore, it has been classified as a Variant of Uncertain Significance.

Eurofins Ntd Llc (ga)
Classification: Uncertain significance. Last evaluated: 2018-07-25. Review status: criteria provided, single submitter. Criteria: EGL ClinVar v180209 classification definitions. Collection method: clinical testing. Allele origin: germline. Observed: 1 variant allele, 1 heterozygote.

PreventionGenetics, part of Exact Sciences
Classification: Uncertain significance for SCP2-related condition. Last evaluated: 2024-09-23. Review status: no assertion criteria provided. Collection method: clinical testing. Allele origin: germline. Not counted in ClinVar's aggregate classification.
Comment: The SCP2 c.532A>G variant is predicted to result in the amino acid substitution p.Ile178Val. To our knowledge, this variant has not been reported in the literature. This variant is reported in 0.012% of alleles in individuals of Latino descent in gnomAD. At this time, the clinical significance of this variant is uncertain due to the absence of conclusive functional and genetic evidence.